The following is an entry in ClinVar:

NM_033026.6(PCLO):c.1160G>A (p.Gly387Glu)

Gene: PCLO (piccolo presynaptic cytomatrix protein; minus strand). Cytogenetic location: 7q21.11.
Variant type: single nucleotide variant.
Coding change: c.1160G>A on transcript NM_033026.6 (MANE Select); coding-DNA position 1160, G replaced by A.
Protein change: p.Gly387Glu; replaces glycine 387 with glutamic acid.
Molecular consequence: missense variant.
Genome position (GRCh38, 1-based): chr7:83,155,481, C>T on the plus strand (G>A on the coding strand, the complement: PCLO is on the minus strand). VCF-style: chr7-83155481-C-T. GRCh37 (hg19) VCF-style: chr7-82784797-C-T.
Other names: c.1160G>A, p.Gly387Glu (NM_014510.3); short protein forms G387E.
Identifiers: ClinVar variation 1949254 (VCV001949254.3), dbSNP rs773108219, ClinGen allele CA4321508.

ClinVar aggregate classification (germline): Uncertain significance. Review status: criteria provided, multiple submitters, no conflicts (2 of 4 stars). 2 submissions from 2 submitters: Uncertain significance (2). Last evaluated 2022-10-16.

Conditions:
Inborn genetic diseases. Identifiers: MedGen C0950123, MeSH D030342.

Allele frequency attached by ClinVar (database versions not stated): ExAC 0.00001; TOPMed 0.00002.
gnomAD v4.1: 5 of 1,612,754 alleles (0.00031%); highest among the groups gnomAD compares: Non-Finnish European, 0.00042%; no homozygotes.

Submissions (2):

Labcorp Genetics (formerly Invitae), Labcorp
Classification: Uncertain significance. Last evaluated: 2022-10-16. Review status: criteria provided, single submitter. Criteria: Invitae Variant Classification Sherloc (09022015). Collection method: clinical testing. Allele origin: germline.
Comment: This sequence change replaces glycine, which is neutral and non-polar, with glutamic acid, which is acidic and polar, at codon 387 of the PCLO protein (p.Gly387Glu). This variant is present in population databases (rs773108219, gnomAD 0.002%). This variant has not been reported in the literature in individuals affected with PCLO-related conditions. Algorithms developed to predict the effect of missense changes on protein structure and function are either unavailable or do not agree on the potential impact of this missense change (SIFT: "Deleterious"; PolyPhen-2: "Not Available"; Align-GVGD: "Class C0"). In summary, the available evidence is currently insufficient to determine the role of this variant in disease. Therefore, it has been classified as a Variant of Uncertain Significance.

Ambry Genetics
Classification: Uncertain significance for Inborn genetic diseases. Last evaluated: 2021-07-13. Review status: criteria provided, single submitter. Criteria: Ambry Variant Classification Scheme 2023. Collection method: clinical testing. Allele origin: germline.